The following is an entry in ClinVar:

NM_000059.4(BRCA2):c.121C>G (p.Pro41Ala)

Gene: BRCA2 (BRCA2 DNA repair associated; plus strand). Cytogenetic location: 13q13.1.
Variant type: single nucleotide variant.
Coding change: c.121C>G on transcript NM_000059.4 (MANE Select); coding-DNA position 121, C replaced by G.
Protein change: p.Pro41Ala; replaces proline 41 with alanine.
Molecular consequence: missense variant.
Genome position (GRCh38, 1-based): chr13:32,319,130, C>G. VCF-style: chr13-32319130-C-G. GRCh37 (hg19) VCF-style: chr13-32893267-C-G.
Other names: short protein forms P41A.
Identifiers: ClinVar variation 462228 (VCV000462228.12), dbSNP rs80358415, ClinGen allele CA6940325.

ClinVar aggregate classification (germline): Conflicting classifications of pathogenicity. Review status: criteria provided, conflicting classifications (1 of 4 stars). 4 submissions from 4 submitters: Uncertain significance (3); Likely benign (1). Last evaluated 2026-05-08.

Conditions:
Hereditary cancer-predisposing syndrome. Also called: Hereditary Cancer Syndrome; Tumor predisposition; Hereditary neoplastic syndrome; Neoplastic Syndromes, Hereditary. Identifiers: Orphanet 140162, MedGen C0027672, MeSH D009386, MONDO:0015356.
Breast-ovarian cancer, familial, susceptibility to, 2 (BROVCA2). Also called: BRCA2 Hereditary Breast and Ovarian Cancer. Identifiers: Orphanet 145, MedGen C2675520, MONDO:0012933, OMIM 612555. Disease mechanism: loss of function.
Hereditary breast ovarian cancer syndrome. Also called: Hereditary breast and ovarian cancer syndrome; Hereditary breast and/or ovarian cancer syndrome; Hereditary breast and ovarian cancer syndrome (HBOC); Hereditary breast and ovarian cancer; Breast and ovarian cancer; BRCA1- and BRCA2-Associated Hereditary Breast and Ovarian Cancer. Identifiers: Orphanet 145, MedGen C0677776, MeSH D061325, MONDO:0003582. Disease mechanism: loss of function.

Allele frequency attached by ClinVar (database versions not stated): gnomAD exomes below 0.00001; ExAC 0.00002.

Submissions (4):

Ambry Genetics
Classification: Likely benign for Hereditary cancer-predisposing syndrome. Last evaluated: 2026-05-08. Review status: criteria provided, single submitter. Criteria: Ambry Variant Classification Scheme 2023. Collection method: clinical testing. Allele origin: germline.

Labcorp Genetics (formerly Invitae), Labcorp
Classification: Uncertain significance for Hereditary breast ovarian cancer syndrome. Last evaluated: 2026-01-11. Review status: criteria provided, single submitter. Criteria: Invitae Variant Classification Sherloc (09022015). Collection method: clinical testing. Allele origin: germline.
Comment: This sequence change replaces proline, which is neutral and non-polar, with alanine, which is neutral and non-polar, at codon 41 of the BRCA2 protein (p.Pro41Ala). This variant is present in population databases (rs80358415, gnomAD 0.006%). This variant has not been reported in the literature in individuals affected with BRCA2-related conditions. ClinVar contains an entry for this variant (Variation ID: 462228). Invitae Evidence Modeling of protein sequence and biophysical properties (such as structural, functional, and spatial information, amino acid conservation, physicochemical variation, residue mobility, and thermodynamic stability) indicates that this missense variant is not expected to disrupt BRCA2 protein function with a negative predictive value of 95%. In summary, the available evidence is currently insufficient to determine the role of this variant in disease. Therefore, it has been classified as a Variant of Uncertain Significance.

All of Us Research Program, National Institutes of Health
Classification: Uncertain significance for Breast-ovarian cancer, familial, susceptibility to, 2. Last evaluated: 2023-12-13. Review status: criteria provided, single submitter. Criteria: ACMG Guidelines, 2015. Collection method: clinical testing. Allele origin: germline. Inheritance: Autosomal dominant inheritance. Observed: 1 variant allele, 1 heterozygote.
Comment: This missense variant replaces proline with alanine at codon 41 of the BRCA2 protein. Computational prediction suggests that this variant may not impact protein structure and function (internally defined REVEL score threshold <= 0.5, PMID: 27666373). To our knowledge, functional studies have not been reported for this variant. This variant has not been reported in individuals affected with BRCA2-related disorders in the literature. This variant has been identified in 2/251254 chromosomes in the general population by the Genome Aggregation Database (gnomAD). The available evidence is insufficient to determine the role of this variant in disease conclusively. Therefore, this variant is classified as a Variant of Uncertain Significance.

This study involves interpretation of variants in research participants for the purpose of population health screening. Participant phenotype was not available at the time of variant classification. Additional details can be found in publication PMID: 35346344, PMCID: PMC8962531

Quest Diagnostics Nichols Institute San Juan Capistrano
Classification: Uncertain significance. Last evaluated: 2023-05-18. Review status: criteria provided, single submitter. Criteria: Quest Diagnostics criteria. Collection method: clinical testing. Allele origin: unknown.
Comment: This variant has not been reported in the published literature. The frequency of this variant in the general population, 0.000008 (2/251254 chromosomes (Genome Aggregation Database)), is uninformative in the assessment of its pathogenicity. Analysis of this variant using bioinformatics tools for the prediction of the effect of amino acid changes on protein structure and function yielded conflicting predictions that this variant is benign or damaging. Based on the available information, we are unable to determine the clinical significance of this variant.